The following is an entry in ClinVar:

NM_022552.5(DNMT3A):c.1852-5C>T

Gene: DNMT3A (DNA methyltransferase 3 alpha; minus strand). Cytogenetic location: 2p23.3.
Variant type: single nucleotide variant.
Coding change: c.1852-5C>T on transcript NM_022552.5 (MANE Select); 5 bases into the intron before coding-DNA position 1852, C replaced by T.
Molecular consequence: intron variant.
Genome position (GRCh38, 1-based): chr2:25,243,987, G>A on the plus strand (C>T on the coding strand, the complement: DNMT3A is on the minus strand). VCF-style: chr2-25243987-G-A. GRCh37 (hg19) VCF-style: chr2-25466856-G-A.
Other names: c.1852-5C>T (NM_175629.2); c.1285-5C>T (NM_153759.3); c.1396-5C>T (NM_001320893.1); c.1183-5C>T (NM_001375819.1).
Identifiers: ClinVar variation 2725395 (VCV002725395.5), dbSNP rs1402620334, ClinGen allele CA531369325.

ClinVar aggregate classification (germline): Likely benign. Review status: criteria provided, single submitter (1 of 4 stars). 2 submissions from 2 submitters: Likely benign (1). 1 of the submissions does not count toward it. Last evaluated 2024-07-24.

Conditions:
DNMT3A-related disorder. Also called: DNMT3A-related disorders; DNMT3A-related condition.
Tatton-Brown-Rahman overgrowth syndrome. Also called: Tatton-Brown-Rahman syndrome; Tall stature-intellectual disability-facial dysmorphism syndrome. Identifiers: Orphanet 404443, MedGen C4014545, MONDO:0014382, OMIM 615879.

Allele frequency attached by ClinVar (database versions not stated): gnomAD exomes below 0.00001; gnomAD 0.00001; TOPMed 0.00001.
gnomAD v4.1: 7 of 1,554,696 alleles (0.00045%); highest among the groups gnomAD compares: Admixed American, 0.012%; no homozygotes.

Submissions (2):

Labcorp Genetics (formerly Invitae), Labcorp
Classification: Likely benign for Tatton-Brown-Rahman overgrowth syndrome. Last evaluated: 2024-07-24. Review status: criteria provided, single submitter. Criteria: Invitae Variant Classification Sherloc (09022015). Collection method: clinical testing. Allele origin: germline.

PreventionGenetics, part of Exact Sciences
Classification: Likely benign for DNMT3A-related condition. Last evaluated: 2021-09-09. Review status: no assertion criteria provided. Collection method: clinical testing. Allele origin: germline. Not counted in ClinVar's aggregate classification.
Comment: This variant is classified as likely benign based on ACMG/AMP sequence variant interpretation guidelines (Richards et al. 2015 PMID: 25741868, with internal and published modifications).